The following is an entry in ClinVar:

NM_177438.3(DICER1):c.1316C>G (p.Thr439Ser)

Gene: DICER1 (dicer 1, ribonuclease III; minus strand). Cytogenetic location: 14q32.13.
Variant type: single nucleotide variant.
Coding change: c.1316C>G on transcript NM_177438.3 (MANE Select); coding-DNA position 1316, C replaced by G.
Protein change: p.Thr439Ser; replaces threonine 439 with serine.
Molecular consequence: missense variant.
Genome position (GRCh38, 1-based): chr14:95,124,256, G>C on the plus strand (C>G on the coding strand, the complement: DICER1 is on the minus strand). VCF-style: chr14-95124256-G-C. GRCh37 (hg19) VCF-style: chr14-95590593-G-C.
Other names: c.1316C>G, p.Thr439Ser (NM_001195573.1, NM_001271282.3, NM_001291628.2 and 1 more transcripts); short protein forms T439S.
Identifiers: ClinVar variation 567640 (VCV000567640.11), dbSNP rs1566801823, ClinGen allele CA390886243.

ClinVar aggregate classification (germline): Uncertain significance. Review status: criteria provided, multiple submitters, no conflicts (2 of 4 stars). 2 submissions from 2 submitters: Uncertain significance (2). Last evaluated 2026-06-26.

Conditions:
Hereditary cancer-predisposing syndrome. Also called: Hereditary Cancer Syndrome; Tumor predisposition; Hereditary neoplastic syndrome; Neoplastic Syndromes, Hereditary. Identifiers: Orphanet 140162, MedGen C0027672, MeSH D009386, MONDO:0015356.
DICER1-related tumor predisposition. Also called: DICER1 syndrome; DICER1-related pleuropulmonary blastoma cancer predisposition syndrome. Identifiers: Orphanet 284343, MedGen C3839822, MONDO:0100216.

Submissions (2):

Ambry Genetics
Classification: Uncertain significance for Hereditary cancer-predisposing syndrome. Last evaluated: 2026-06-26. Review status: criteria provided, single submitter. Criteria: Ambry Variant Classification Scheme 2023. Collection method: clinical testing. Allele origin: germline.
Comment: The p.T439S variant (also known as c.1316C>G), located in coding exon 7 of the DICER1 gene, results from a C to G substitution at nucleotide position 1316. The threonine at codon 439 is replaced by serine, an amino acid with similar properties. This amino acid position is conserved. In addition, this alteration is predicted to be tolerated by in silico analysis. Based on the available evidence, the clinical significance of this variant remains unclear.

Labcorp Genetics (formerly Invitae), Labcorp
Classification: Uncertain significance for DICER1-related tumor predisposition. Last evaluated: 2018-05-04. Review status: criteria provided, single submitter. Criteria: Invitae Variant Classification Sherloc (09022015). Collection method: clinical testing. Allele origin: germline.
Comment: In summary, the available evidence is currently insufficient to determine the role of this variant in disease. Therefore, it has been classified as a Variant of Uncertain Significance. Algorithms developed to predict the effect of sequence changes on RNA splicing suggest that this variant may create or strengthen a splice site, but this prediction has not been confirmed by published transcriptional studies. Algorithms developed to predict the effect of missense changes on protein structure and function do not agree on the potential impact of this missense change (SIFT: "Tolerated"; PolyPhen-2: "Probably Damaging"; Align-GVGD: "Class C0"). This variant has not been reported in the literature in individuals with DICER1-related disease. This variant is not present in population databases (ExAC no frequency). This sequence change replaces threonine with serine at codon 439 of the DICER1 protein (p.Thr439Ser). The threonine residue is highly conserved and there is a small physicochemical difference between threonine and serine.